The following is an entry in ClinVar:

ClinVar aggregate classification (germline): Likely pathogenic. Review status: criteria provided, multiple submitters, no conflicts (2 of 4 stars). 5 submissions from 5 submitters: Likely pathogenic (4). 1 of the submissions does not count toward it. Last evaluated 2025-06-09.

Conditions:
Hypotonia, ataxia, and delayed development syndrome (HADDS). Also called: EBF3 Neurodevelopmental Disorder. Identifiers: Orphanet 658843, MedGen C4310618, MONDO:0015021, OMIM 617330.

Submissions (5):

3billion
Classification: Likely pathogenic for Hypotonia, ataxia, and delayed development syndrome. Last evaluated: 2025-06-09. Review status: criteria provided, single submitter. Criteria: ACMG Guidelines, 2015. Collection method: clinical testing. Allele origin: germline. Affected: yes.
Comment: The variant is not observed in the gnomAD v4.1.0 dataset. Predicted Consequence/Location: Missense variant In silico tool predictions suggest damaging effect of the variant on gene or gene product [REVEL: 0.76 (>=0.6, sensitivity 0.68 and specificity 0.92); 3Cnet: 0.99 (> 0.75, sensitivity 0.96 and precision 0.92)]. The same nucleotide change resulting in the same amino acid change has been previously reported as pathogenic/likely pathogenic with strong evidence (ClinVar ID: VCV000828142). Therefore, this variant is classified as Likely pathogenic according to the recommendation of ACMG/AMP guideline.

Laboratory of Genetics, Children's Clinical University Hospital Latvia
Classification: Likely pathogenic. Last evaluated: 2025-02-16. Review status: criteria provided, single submitter. Criteria: ACMG Guidelines, 2015. Collection method: clinical testing. Allele origin: germline. Affected: yes.

Institute of Human Genetics, University of Leipzig Medical Center
Classification: Likely pathogenic for Hypotonia, ataxia, and delayed development syndrome. Last evaluated: 2022-10-25. Review status: criteria provided, single submitter. Criteria: ACMG Guidelines, 2015. Collection method: clinical testing. Allele origin: de novo. Affected: yes.
Comment: This variant was identified as de novo (maternity and paternity confirmed)._x000D_ Criteria applied: PS2_MOD, PS4_SUP, PM1_SUP, PM2_SUP, PP2

Victorian Clinical Genetics Services, Murdoch Childrens Research Institute
Classification: Likely pathogenic for Hypotonia, ataxia, and delayed development syndrome. Last evaluated: 2022-09-02. Review status: criteria provided, single submitter. Criteria: ACMG Guidelines, 2015. Collection method: clinical testing. Allele origin: germline. Inheritance: Autosomal dominant inheritance. Affected: yes.
Comment: Based on the classification scheme VCGS_Germline_v1.3.4, this variant is classified as Likely pathogenic. Following criteria are met: 0103 - Loss of function and dominant-negative are known mechanisms of disease in this gene and are associated with hypotonia, ataxia, and delayed development syndrome (MIM#617330) (GeneReviews). (I) 0107 - This gene is associated with autosomal dominant disease. (I) 0200 - Variant is predicted to result in a missense amino acid change from glycine to aspartic acid. (I) 0251 - This variant is heterozygous. (I) 0301 - Variant is absent from gnomAD (both v2 and v3). (SP) 0502 - Missense variant with conflicting in silico predictions and uninformative conservation. (I) 0603 - Missense variant in a region that is highly intolerant to missense variation (high constraint region in DECIPHER). (SP) 0705 - No comparable missense variants have previous evidence for pathogenicity. (I) 0808 - Previous reports of pathogenicity for this variant are conflicting. It has been classified as likely pathogenic and a VUS by diagnostic laboratories in ClinVar. (I) 0905 - No published segregation evidence has been identified for this variant. (I) 1007 - No published functional evidence has been identified for this variant. (SP) Legend: (SP) - Supporting pathogenic, (I) - Information, (SB) - Supporting benign

Biochemical Molecular Genetic Laboratory, King Abdulaziz Medical City
Classification: Likely pathogenic for Hypotonia, ataxia, and delayed development syndrome. Last evaluated: 2020-02-05. Review status: no assertion criteria provided. Collection method: clinical testing. Allele origin: germline. Affected: yes. Not counted in ClinVar's aggregate classification.

NM_001375380.1(EBF3):c.428G>A (p.Gly143Asp)

Gene: EBF3 (EBF transcription factor 3; minus strand). Cytogenetic location: 10q26.3.
Variant type: single nucleotide variant.
Coding change: c.428G>A on transcript NM_001375380.1 (MANE Select); coding-DNA position 428, G replaced by A.
Protein change: p.Gly143Asp; replaces glycine 143 with aspartic acid.
Molecular consequence: missense variant.
Genome position (GRCh38, 1-based): chr10:129,958,991, C>T on the plus strand (G>A on the coding strand, the complement: EBF3 is on the minus strand). VCF-style: chr10-129958991-C-T. GRCh37 (hg19) VCF-style: chr10-131757255-C-T.
Other names: c.428G>A, p.Gly143Asp (NM_001005463.3, NM_001375379.1, NM_001375389.1 and 3 more transcripts); short protein forms G143D.
Identifiers: ClinVar variation 828142 (VCV000828142.6), dbSNP rs1589962586, ClinGen allele CA378910734.